The following is an entry in ClinVar:

NM_002024.6(FMR1):c.797G>A (p.Gly266Glu)

Gene: FMR1 (fragile X messenger ribonucleoprotein 1; plus strand). Cytogenetic location: Xq27.3.
Variant type: single nucleotide variant.
Coding change: c.797G>A on transcript NM_002024.6 (MANE Select); coding-DNA position 797, G replaced by A.
Protein change: p.Gly266Glu; replaces glycine 266 with glutamic acid.
Molecular consequence: missense variant. On other transcripts: non-coding transcript variant (2).
Genome position (GRCh38, 1-based): chrX:147,932,591, G>A. VCF-style: chrX-147932591-G-A. GRCh37 (hg19) VCF-style: chrX-147014110-G-A.
Other names: c.797G>A, p.Gly266Glu (NM_001185075.2, NM_001185076.2, NM_001185081.2 and 1 more transcripts); short protein forms G266E.
Identifiers: ClinVar variation 590253 (VCV000590253.5), dbSNP rs1569545763, ClinGen allele CA414439705.

ClinVar aggregate classification (germline): Likely pathogenic (1 of 4 stars; one submission).

Conditions:
Inborn genetic diseases. Identifiers: MedGen C0950123, MeSH D030342.

Submission:

Ambry Genetics
Classification: Likely pathogenic for Inborn genetic diseases. Last evaluated: 2019-02-01. Review status: criteria provided, single submitter. Criteria: Ambry Variant Classification Scheme 2023. Collection method: clinical testing. Allele origin: germline.
Comment: The p.G266E variant (also known as c.797G>A), located in coding exon 8 of the FMR1 gene, results from a G to A substitution at nucleotide position 797. The glycine at codon 266 is replaced by glutamic acid, an amino acid with similar properties. This alteration was not detected in this individual's three unaffected brothers. In addition, authors used in vitro assays to show that this alteration impaired several FMRP protein functions (Myrick LK et al. Eur. J. Hum. Genet., 2014 Oct;22:1185-9). This amino acid position is highly conserved in available vertebrate species. In addition, this alteration is predicted to be deleterious by in silico analysis. Based on the majority of available evidence to date, this variant is likely to be pathogenic.

Literature cited by the submitters: PubMed 24448548; PubMed 25561520; PubMed 26819560; PubMed 26880065; PubMed 29178241.